The following is an entry in ClinVar:

ClinVar aggregate classification (germline): Likely pathogenic (0 of 4 stars; one submission).

Submission:

Genetic Services Laboratory, University of Chicago
Classification: Likely pathogenic. Last evaluated: 2022-03-04. Review status: no assertion criteria provided. Collection method: clinical testing. Allele origin: germline. Affected: yes.
Comment: DNA sequence analysis of the PKD1 gene demonstrated a one base pair duplication in exon 23, c.8624dup. This likely pathogenic sequence change results in an amino acid frameshift and creates a premature stop codon 61 amino acids downstream of the change, p.Val2876Glyfs*61. This sequence change is predicted to result in an abnormal transcript, which may be degraded, or may lead to the production of a truncated PKD1 protein with potentially abnormal function. The c.8624dup sequence change has not been described in population databases such as ExAC and gnomAD. While this sequence change has not previously been described in the literature, other duplications in the PKD1 gene have been described in individuals with polycystic kidney disease (PMID: 31740684, 26632257, 28378423). This likely pathogenic sequence change is the most likely cause of this individual's phenotype, however functional studies have not been performed to prove this conclusively.

NM_001009944.3(PKD1):c.8624dup (p.Val2876fs)

Gene: PKD1 (polycystin 1, transient receptor potential channel interacting; minus strand). Cytogenetic location: 16p13.3.
Variant type: Duplication.
Coding change: c.8624dup on transcript NM_001009944.3 (MANE Select); coding-DNA position 8624, one base duplicated (A; older notation c.8624dupA).
Protein change: p.Val2876fs; shifts the reading frame from valine 2876.
Molecular consequence: frameshift variant.
Genome position (GRCh38, 1-based): chr16:2,103,433, T duplicated on the plus strand (A on the coding strand, the reverse complement: PKD1 is on the minus strand); the first of 2 consecutive T bases (chr16:2,103,433-2,103,434); duplicating either gives the same sequence. VCF-style (leftmost placement, unchanged base first): chr16-2103432-C-CT. GRCh37 (hg19) VCF-style: chr16-2153433-C-CT.
Other names: c.8624dup, p.Val2876fs (NM_000296.4); c.8624dup (NM_001009944.2); short protein forms V2876fs.
Identifiers: ClinVar variation 2443212 (VCV002443212.2), dbSNP rs2544742790, ClinGen allele CA2580090966.